The following is an entry in ClinVar:

ClinVar aggregate classification (germline): Uncertain significance (1 of 4 stars; one submission).

Conditions:
CHARGE syndrome (CHARGE). Also called: Hittner Hirsch Kreh syndrome; Coloboma, heart anomaly, choanal atresia, retardation, genital and ear anomalies; CHARGE association; Hall-Hittner syndrome; CHARGE ASSOCIATION--COLOBOMA, HEART ANOMALY, CHOANAL ATRESIA, RETARDATION, GENITAL AND EAR ANOMALIES. Identifiers: Orphanet 138, MedGen C0265354, MONDO:0008965.

gnomAD v4.1: 1 of 1,613,450 alleles (0.000062%); highest among the groups gnomAD compares: East Asian, 0.0022%; no homozygotes.

Submission:

Labcorp Genetics (formerly Invitae), Labcorp
Classification: Uncertain significance for CHARGE syndrome. Last evaluated: 2020-09-16. Review status: criteria provided, single submitter. Criteria: Invitae Variant Classification Sherloc (09022015). Collection method: clinical testing. Allele origin: germline.
Comment: This sequence change replaces threonine with alanine at codon 585 of the SEMA3E protein (p.Thr585Ala). The threonine residue is highly conserved and there is a small physicochemical difference between threonine and alanine. In summary, the available evidence is currently insufficient to determine the role of this variant in disease. Therefore, it has been classified as a Variant of Uncertain Significance. Algorithms developed to predict the effect of missense changes on protein structure and function are either unavailable or do not agree on the potential impact of this missense change (SIFT: "Deleterious"; PolyPhen-2: "Benign"; Align-GVGD: "Class C0"). This variant has not been reported in the literature in individuals with SEMA3E-related conditions. This variant is not present in population databases (ExAC no frequency).

NM_012431.3(SEMA3E):c.1753A>G (p.Thr585Ala)

Gene: SEMA3E (semaphorin 3E; minus strand). Cytogenetic location: 7q21.11.
Variant type: single nucleotide variant.
Coding change: c.1753A>G on transcript NM_012431.3 (MANE Select); coding-DNA position 1753, A replaced by G.
Protein change: p.Thr585Ala; replaces threonine 585 with alanine.
Molecular consequence: missense variant.
Genome position (GRCh38, 1-based): chr7:83,385,416, T>C on the plus strand (A>G on the coding strand, the complement: SEMA3E is on the minus strand). VCF-style: chr7-83385416-T-C. GRCh37 (hg19) VCF-style: chr7-83014732-T-C.
Other names: c.1573A>G, p.Thr525Ala (NM_001178129.2); short protein forms T525A, T585A.
Identifiers: ClinVar variation 961336 (VCV000961336.9), dbSNP rs1166890439, ClinGen allele CA367921923.